The following is an entry in ClinVar:

NM_001430.5(EPAS1):c.343A>G (p.Ile115Val)

Gene: EPAS1 (endothelial PAS domain protein 1; plus strand). Cytogenetic location: 2p21.
Variant type: single nucleotide variant.
Coding change: c.343A>G on transcript NM_001430.5 (MANE Select); coding-DNA position 343, A replaced by G.
Protein change: p.Ile115Val; replaces isoleucine 115 with valine.
Molecular consequence: missense variant.
Genome position (GRCh38, 1-based): chr2:46,356,276, A>G. VCF-style: chr2-46356276-A-G. GRCh37 (hg19) VCF-style: chr2-46583415-A-G.
Other names: short protein forms I115V.
Identifiers: ClinVar variation 2456815 (VCV002456815.2), dbSNP rs1476978064, ClinGen allele CA346697937.

ClinVar aggregate classification (germline): Uncertain significance (1 of 4 stars; one submission).

Conditions:
Inborn genetic diseases. Identifiers: MedGen C0950123, MeSH D030342.

Allele frequency attached by ClinVar (database versions not stated): gnomAD exomes below 0.00001; gnomAD 0.00001; TOPMed 0.00001.
gnomAD v4.1: 2 of 1,614,070 alleles (0.00012%); highest among the groups gnomAD compares: African/African-American, 0.0027%; no homozygotes.

Submission:

Ambry Genetics
Classification: Uncertain significance for Inborn genetic diseases. Last evaluated: 2023-01-21. Review status: criteria provided, single submitter. Criteria: Ambry Variant Classification Scheme 2023. Collection method: clinical testing. Allele origin: germline.
Comment: The p.I115V variant (also known as c.343A>G), located in coding exon 3 of the EPAS1 gene, results from an A to G substitution at nucleotide position 343. The isoleucine at codon 115 is replaced by valine, an amino acid with highly similar properties. This amino acid position is conserved. In addition, this alteration is predicted to be tolerated by in silico analysis. Since supporting evidence is limited at this time, the clinical significance of this alteration remains unclear.